The following is an entry in ClinVar:

NM_182641.4(BPTF):c.1865-5611A>G

Gene: BPTF (bromodomain PHD finger transcription factor; plus strand). Cytogenetic location: 17q24.2.
Variant type: single nucleotide variant.
Coding change: c.1865-5611A>G on transcript NM_182641.4 (MANE Select); 5611 bases into the intron before coding-DNA position 1865, A replaced by G.
Molecular consequence: intron variant. On other transcripts: missense variant (1).
Genome position (GRCh38, 1-based): chr17:67,886,233, A>G. VCF-style: chr17-67886233-A-G. GRCh37 (hg19) VCF-style: chr17-65882349-A-G.
Other names: c.2159A>G, p.Gln720Arg (NM_004459.7); short protein forms Q720R.
Identifiers: ClinVar variation 3251135 (VCV003251135.18), dbSNP rs761568509.

ClinVar aggregate classification (germline): Uncertain significance (1 of 4 stars; one submission).

Allele frequency attached by ClinVar (database versions not stated): gnomAD exomes below 0.00001; TOPMed below 0.00001; ExAC 0.00001; gnomAD 0.00001.
gnomAD v4.1: 2 of 1,613,984 alleles (0.00012%); highest among the groups gnomAD compares: South Asian, 0.0011%; no homozygotes.

Submission:

CeGaT Center for Human Genetics Tuebingen
Classification: Uncertain significance. Last evaluated: 2024-06-01. Review status: criteria provided, single submitter. Criteria: CeGaT Center For Human Genetics Tuebingen Variant Classification Criteria Version 2. Collection method: clinical testing. Allele origin: germline. Affected: yes. Observed: 1 variant allele.
Comment: BPTF: PM2, BP4